The following is an entry in ClinVar:

NM_001164665.2(KIAA1549):c.1969C>T (p.Pro657Ser)

Gene: KIAA1549 (KIAA1549; minus strand). Cytogenetic location: 7q34.
Variant type: single nucleotide variant.
Coding change: c.1969C>T on transcript NM_001164665.2 (MANE Select); coding-DNA position 1969, C replaced by T.
Protein change: p.Pro657Ser; replaces proline 657 with serine.
Molecular consequence: missense variant.
Genome position (GRCh38, 1-based): chr7:138,917,657, G>A on the plus strand (C>T on the coding strand, the complement: KIAA1549 is on the minus strand). VCF-style: chr7-138917657-G-A. GRCh37 (hg19) VCF-style: chr7-138602403-G-A.
Other names: c.1969C>T, p.Pro657Ser (NM_020910.3); short protein forms P657S.
Identifiers: ClinVar variation 2099099 (VCV002099099.4), dbSNP rs1299905066, ClinGen allele CA369395727.

ClinVar aggregate classification (germline): Uncertain significance (1 of 4 stars; one submission).

Submission:

Labcorp Genetics (formerly Invitae), Labcorp
Classification: Uncertain significance. Last evaluated: 2022-02-19. Review status: criteria provided, single submitter. Criteria: Invitae Variant Classification Sherloc (09022015). Collection method: clinical testing. Allele origin: germline.
Comment: In summary, the available evidence is currently insufficient to determine the role of this variant in disease. Therefore, it has been classified as a Variant of Uncertain Significance. Algorithms developed to predict the effect of missense changes on protein structure and function (SIFT, PolyPhen-2, Align-GVGD) all suggest that this variant is likely to be tolerated. This variant has not been reported in the literature in individuals affected with KIAA1549-related conditions. This variant is not present in population databases (gnomAD no frequency). This sequence change replaces proline, which is neutral and non-polar, with serine, which is neutral and polar, at codon 657 of the KIAA1549 protein (p.Pro657Ser).